The following is an entry in ClinVar:

ClinVar aggregate classification (germline): Likely pathogenic. Review status: criteria provided, multiple submitters, no conflicts (2 of 4 stars). 2 submissions from 2 submitters: Likely pathogenic (2). Last evaluated 2026-05-26.

Conditions:
Generalized epilepsy with febrile seizures plus, type 2 (GEFSP2). Also called: GEFS+, TYPE 2. Identifiers: Orphanet 36387, MedGen C1858673, MONDO:0011461, OMIM 604403.
Epilepsy. Also called: Seizure disorder. Identifiers: MedGen C0014544, MeSH D004827, MONDO:0005027.

Submissions (2):

Cytogénomique, Hospices Civils de Lyon
Classification: Likely pathogenic for Epilepsy. Last evaluated: 2026-05-26. Review status: criteria provided, single submitter. Criteria: ACMG Guidelines, 2015. Collection method: clinical testing. Allele origin: germline. Affected: yes.

3billion
Classification: Likely pathogenic for Generalized epilepsy with febrile seizures plus, type 2. Last evaluated: 2025-06-03. Review status: criteria provided, single submitter. Criteria: ACMG Guidelines, 2015. Collection method: clinical testing. Allele origin: germline. Affected: yes.
Comment: The variant is not observed in the gnomAD v4.1.0 dataset. Predicted Consequence/Location: The variant is located in a mutational hot spot and/or well-established functional domain in which established pathogenic variants have been reported. In silico tool predictions suggest damaging effect of the variant on gene or gene product [REVEL: 0.99 (>=0.6, sensitivity 0.68 and specificity 0.92); 3Cnet: 0.99 (> 0.75, sensitivity 0.96 and precision 0.92)]. A different missense change at the same codon (p.Ser940Phe) has been reported as pathogenic/likely pathogenic with strong evidence (ClinVar ID: VCV000381569 /PMID: 23195492). Therefore, this variant is classified as Likely pathogenic according to the recommendation of ACMG/AMP guideline.

Literature cited by the submitters: PubMed 23195492 (cited by 3billion).

NM_001165963.4(SCN1A):c.2819C>A (p.Ser940Tyr)

Gene: SCN1A (sodium voltage-gated channel alpha subunit 1; minus strand). Cytogenetic location: 2q24.3.
Variant type: single nucleotide variant.
Coding change: c.2819C>A on transcript NM_001165963.4 (MANE Select); coding-DNA position 2819, C replaced by A.
Protein change: p.Ser940Tyr; replaces serine 940 with tyrosine.
Molecular consequence: missense variant. On other transcripts: non-coding transcript variant (1).
Genome position (GRCh38, 1-based): chr2:166,037,903, G>T on the plus strand (C>A on the coding strand, the complement: SCN1A is on the minus strand). VCF-style: chr2-166037903-G-T. GRCh37 (hg19) VCF-style: chr2-166894413-G-T.
Other names: c.2735C>A, p.Ser912Tyr (NM_001165964.3, NM_001353957.2, NM_001353958.2); c.2819C>A, p.Ser940Tyr (NM_001202435.3, NM_001353948.2); c.2786C>A, p.Ser929Tyr (NM_001353949.2, NM_001353950.2, NM_001353951.2 and 2 more transcripts); c.2783C>A, p.Ser928Tyr (NM_001353954.2, NM_001353955.2); c.2732C>A, p.Ser911Tyr (NM_001353960.2); c.377C>A, p.Ser126Tyr (NM_001353961.2); short protein forms S126Y, S911Y, S912Y, S928Y, S929Y, S940Y.
Identifiers: ClinVar variation 4854630 (VCV004854630.2), dbSNP rs1057521080.